The following is an entry in ClinVar:

NM_001267550.2(TTN):c.10457C>A (p.Ala3486Glu)

Gene: TTN (titin; minus strand). Cytogenetic location: 2q31.2.
Variant type: single nucleotide variant.
Coding change: c.10457C>A on transcript NM_001267550.2 (MANE Select); coding-DNA position 10457, C replaced by A.
Protein change: p.Ala3486Glu; replaces alanine 3486 with glutamic acid.
Molecular consequence: missense variant. On other transcripts: intron variant (5).
Genome position (GRCh38, 1-based): chr2:178,757,763, G>T on the plus strand (C>A on the coding strand, the complement: TTN is on the minus strand). VCF-style: chr2-178757763-G-T. GRCh37 (hg19) VCF-style: chr2-179622490-G-T.
Other names: c.10319C>A, p.Ala3440Glu (NM_133432.3); c.10165+1221C>A (NM_003319.4); c.10166-966C>A (NM_133437.4); c.10303+1221C>A (NM_133378.4, NM_001256850.1, NM_133379.5); short protein forms A3440E, A3486E.
Identifiers: ClinVar variation 4891315 (VCV004891315.1).

ClinVar aggregate classification (germline): Uncertain significance (1 of 4 stars; one submission).

gnomAD v4.1: 2 of 1,613,742 alleles (0.00012%); highest among the groups gnomAD compares: Admixed American, 0.0017%; no homozygotes.

Submission:

GeneDx
Classification: Uncertain significance. Last evaluated: 2026-02-05. Review status: criteria provided, single submitter. Criteria: GeneDx Variant Classification Process June 2021. Collection method: clinical testing. Allele origin: germline.
Comment: Not observed at significant frequency in large population cohorts (gnomAD); Missense variant in a gene in which most reported pathogenic variants are truncating/loss of function; Has not been previously published as pathogenic or benign to our knowledge